The following is an entry in ClinVar:

ClinVar aggregate classification (germline): Uncertain significance (1 of 4 stars; one submission).

Submission:

Labcorp Genetics (formerly Invitae), Labcorp
Classification: Uncertain significance. Last evaluated: 2024-07-15. Review status: criteria provided, single submitter. Criteria: Invitae Variant Classification Sherloc (09022015). Collection method: clinical testing. Allele origin: germline.
Comment: This sequence change creates a premature translational stop signal (p.Gln288*) in the POLD2 gene. It is expected to result in an absent or disrupted protein product. However, the current clinical and genetic evidence is not sufficient to establish whether loss-of-function variants in POLD2 cause disease. This variant is not present in population databases (gnomAD no frequency). This variant has not been reported in the literature in individuals affected with POLD2-related conditions. In summary, the available evidence is currently insufficient to determine the role of this variant in disease. Therefore, it has been classified as a Variant of Uncertain Significance.

NM_006230.4(POLD2):c.757C>T (p.Gln253Ter)

Gene: POLD2 (DNA polymerase delta 2, accessory subunit; minus strand). Cytogenetic location: 7p13.
Variant type: single nucleotide variant.
Coding change: c.757C>T on transcript NM_006230.4 (MANE Select); coding-DNA position 757, C replaced by T.
Protein change: p.Gln253Ter; replaces glutamine 253 with a stop codon.
Molecular consequence: nonsense.
Genome position (GRCh38, 1-based): chr7:44,116,840, G>A on the plus strand (C>T on the coding strand, the complement: POLD2 is on the minus strand). VCF-style: chr7-44116840-G-A. GRCh37 (hg19) VCF-style: chr7-44156439-G-A.
Other names: c.757C>T, p.Gln253Ter (NM_001127218.3, NM_001256879.2); short protein forms Q253*.
Identifiers: ClinVar variation 3685977 (VCV003685977.2).